The following is an entry in ClinVar:

NM_001042750.2(STAG2):c.1316G>A (p.Arg439His)

Gene: STAG2 (STAG2 cohesin complex component; plus strand). Cytogenetic location: Xq25.
Variant type: single nucleotide variant.
Coding change: c.1316G>A on transcript NM_001042750.2 (MANE Select); coding-DNA position 1316, G replaced by A.
Protein change: p.Arg439His; replaces arginine 439 with histidine.
Molecular consequence: missense variant.
Genome position (GRCh38, 1-based): chrX:124,057,877, G>A. VCF-style: chrX-124057877-G-A. GRCh37 (hg19) VCF-style: chrX-123191727-G-A.
Other names: c.1316G>A, p.Arg439His (NM_001042749.2, NM_001042751.2, NM_001282418.2 and 13 more transcripts); short protein forms R439H.
Identifiers: ClinVar variation 2190825 (VCV002190825.4), dbSNP rs777167759, ClinGen allele CA10508768.

ClinVar aggregate classification (germline): Uncertain significance (1 of 4 stars; one submission).

Allele frequency attached by ClinVar (database versions not stated): ExAC 0.00001; gnomAD exomes 0.00001; gnomAD 0.00002; TOPMed 0.00002; 1000 Genomes Project 30x 0.00021; 1000 Genomes Project 0.00026.
gnomAD v4.1: 11 of 1,161,190 alleles (0.00095%); highest among the groups gnomAD compares: African/African-American, 0.0055%; no homozygotes.

Submission:

Labcorp Genetics (formerly Invitae), Labcorp
Classification: Uncertain significance. Last evaluated: 2023-11-12. Review status: criteria provided, single submitter. Criteria: Invitae Variant Classification Sherloc (09022015). Collection method: clinical testing. Allele origin: germline.
Comment: This sequence change replaces arginine, which is basic and polar, with histidine, which is basic and polar, at codon 439 of the STAG2 protein (p.Arg439His). The frequency data for this variant in the population databases is considered unreliable, as metrics indicate poor data quality at this position in the gnomAD database. This variant has not been reported in the literature in individuals affected with STAG2-related conditions. ClinVar contains an entry for this variant (Variation ID: 2190825). An algorithm developed to predict the effect of missense changes on protein structure and function (PolyPhen-2) suggests that this variant is likely to be tolerated. In summary, the available evidence is currently insufficient to determine the role of this variant in disease. Therefore, it has been classified as a Variant of Uncertain Significance.